The following is an entry in ClinVar:

ClinVar aggregate classification (germline): Uncertain significance. Review status: criteria provided, multiple submitters, no conflicts (2 of 4 stars). 2 submissions from 2 submitters: Uncertain significance (2). Last evaluated 2025-03-24.

Conditions:
Renal cell carcinoma. Identifiers: Orphanet 217071, MedGen C0007134, MeSH D002292, MONDO:0005086, HP:0005584.
Hereditary cancer-predisposing syndrome. Also called: Hereditary Cancer Syndrome; Hereditary neoplastic syndrome; Neoplastic Syndromes, Hereditary; Tumor predisposition. Identifiers: Orphanet 140162, MedGen C0027672, MeSH D009386, MONDO:0015356.

Allele frequency attached by ClinVar (database versions not stated): gnomAD exomes below 0.00001.
gnomAD v4.1: 1 of 1,614,084 alleles (0.000062%); highest among the groups gnomAD compares: Non-Finnish European, 0.000085%; no homozygotes.

Submissions (2):

Ambry Genetics
Classification: Uncertain significance for Hereditary cancer-predisposing syndrome. Last evaluated: 2025-03-24. Review status: criteria provided, single submitter. Criteria: Ambry Variant Classification Scheme 2023. Collection method: clinical testing. Allele origin: germline.
Comment: The p.G507R variant (also known as c.1519G>A), located in coding exon 3 of the MET gene, results from a G to A substitution at nucleotide position 1519. The glycine at codon 507 is replaced by arginine, an amino acid with dissimilar properties. This amino acid position is highly conserved in available vertebrate species. In addition, the in silico prediction for this alteration is inconclusive. Based on the available evidence, the clinical significance of this variant remains unclear.

Labcorp Genetics (formerly Invitae), Labcorp
Classification: Uncertain significance for Renal cell carcinoma. Last evaluated: 2025-02-12. Review status: criteria provided, single submitter. Criteria: Invitae Variant Classification Sherloc (09022015). Collection method: clinical testing. Allele origin: germline.
Comment: This sequence change replaces glycine, which is neutral and non-polar, with arginine, which is basic and polar, at codon 507 of the MET protein (p.Gly507Arg). This variant is not present in population databases (gnomAD no frequency). This variant has not been reported in the literature in individuals affected with MET-related conditions. ClinVar contains an entry for this variant (Variation ID: 1774378). Invitae Evidence Modeling of protein sequence and biophysical properties (such as structural, functional, and spatial information, amino acid conservation, physicochemical variation, residue mobility, and thermodynamic stability) has been performed for this missense variant. However, the output from this modeling did not meet the statistical confidence thresholds required to predict the impact of this variant on MET protein function. In summary, the available evidence is currently insufficient to determine the role of this variant in disease. Therefore, it has been classified as a Variant of Uncertain Significance.

NM_000245.4(MET):c.1519G>A (p.Gly507Arg)

Gene: MET (MET proto-oncogene, receptor tyrosine kinase; plus strand). Cytogenetic location: 7q31.2.
Variant type: single nucleotide variant.
Coding change: c.1519G>A on transcript NM_000245.4 (MANE Select); coding-DNA position 1519, G replaced by A.
Protein change: p.Gly507Arg; replaces glycine 507 with arginine.
Molecular consequence: missense variant.
Genome position (GRCh38, 1-based): chr7:116,740,076, G>A. VCF-style: chr7-116740076-G-A. GRCh37 (hg19) VCF-style: chr7-116380130-G-A.
Other names: c.1519G>A, p.Gly507Arg (NM_001127500.3, NM_001324401.3); c.229G>A, p.Gly77Arg (NM_001324402.2); short protein forms G507R, G77R.
Identifiers: ClinVar variation 1774378 (VCV001774378.4), dbSNP rs1793386405, ClinGen allele CA368974333.